The following is an entry in ClinVar:

NM_014264.5(PLK4):c.52C>A (p.Leu18Ile)

Gene: PLK4 (polo like kinase 4; plus strand). Cytogenetic location: 4q28.1.
Variant type: single nucleotide variant.
Coding change: c.52C>A on transcript NM_014264.5 (MANE Select); coding-DNA position 52, C replaced by A.
Protein change: p.Leu18Ile; replaces leucine 18 with isoleucine.
Molecular consequence: missense variant. On other transcripts: 5 prime UTR variant (1).
Genome position (GRCh38, 1-based): chr4:127,881,852, C>A. VCF-style: chr4-127881852-C-A. GRCh37 (hg19) VCF-style: chr4-128803007-C-A.
Other names: c.52C>A, p.Leu18Ile (NM_001190799.2); c.-72C>A (NM_001190801.2); short protein forms L18I.
Identifiers: ClinVar variation 1714219 (VCV001714219.5), dbSNP rs751605196, ClinGen allele CA3076476.

ClinVar aggregate classification (germline): Uncertain significance (1 of 4 stars; one submission).

Allele frequency attached by ClinVar (database versions not stated): gnomAD exomes below 0.00001; TOPMed below 0.00001; ExAC 0.00001; gnomAD 0.00001.
gnomAD v4.1: 4 of 1,605,562 alleles (0.00025%); highest among the groups gnomAD compares: Admixed American, 0.0067%; no homozygotes.

Submission:

Labcorp Genetics (formerly Invitae), Labcorp
Classification: Uncertain significance. Last evaluated: 2022-08-02. Review status: criteria provided, single submitter. Criteria: Invitae Variant Classification Sherloc (09022015). Collection method: clinical testing. Allele origin: germline.
Comment: This variant has not been reported in the literature in individuals affected with PLK4-related conditions. This variant is present in population databases (rs751605196, gnomAD 0.009%). This sequence change replaces leucine, which is neutral and non-polar, with isoleucine, which is neutral and non-polar, at codon 18 of the PLK4 protein (p.Leu18Ile). Algorithms developed to predict the effect of missense changes on protein structure and function are either unavailable or do not agree on the potential impact of this missense change (SIFT: "Deleterious"; PolyPhen-2: "Probably Damaging"; Align-GVGD: "Class C0"). In summary, the available evidence is currently insufficient to determine the role of this variant in disease. Therefore, it has been classified as a Variant of Uncertain Significance.